The following is an entry in ClinVar:

NM_130384.3(ATRIP):c.783C>A (p.His261Gln)

Genes: ATRIP (ATR interacting protein; plus strand), ATRIP-TREX1 (ATRIP-TREX1 readthrough; plus strand). Cytogenetic location: 3p21.31.
Variant type: single nucleotide variant.
Coding change: c.783C>A on transcript NM_130384.3 (MANE Select); coding-DNA position 783, C replaced by A.
Protein change: p.His261Gln; replaces histidine 261 with glutamine.
Molecular consequence: missense variant. On other transcripts: non-coding transcript variant (1).
Genome position (GRCh38, 1-based): chr3:48,457,370, C>A. VCF-style: chr3-48457370-C-A. GRCh37 (hg19) VCF-style: chr3-48498770-C-A.
Other names: c.402C>A, p.His134Gln (NM_001271022.2); c.504C>A, p.His168Gln (NM_001271023.2); c.783C>A, p.His261Gln (NM_032166.4); short protein forms H168Q, H134Q, H261Q.
Identifiers: ClinVar variation 2569912 (VCV002569912.6), dbSNP rs758676126, ClinGen allele CA2376052.

ClinVar aggregate classification (germline): Uncertain significance. Review status: criteria provided, multiple submitters, no conflicts (2 of 4 stars). 2 submissions from 2 submitters: Uncertain significance (2). Last evaluated 2024-11-23.

Allele frequency attached by ClinVar (database versions not stated): ExAC 0.00001; gnomAD 0.00003; TOPMed 0.00003.
gnomAD v4.1: 20 of 1,599,872 alleles (0.0013%); highest among the groups gnomAD compares: Non-Finnish European, 0.0016%; no homozygotes.

Submissions (2):

Ambry Genetics
Classification: Uncertain significance. Last evaluated: 2024-11-23. Review status: criteria provided, single submitter. Criteria: Ambry Variant Classification Scheme 2023. Collection method: clinical testing. Allele origin: germline.
Comment: The p.H261Q variant (also known as c.783C>A), located in coding exon 5 of the ATRIP gene, results from a C to A substitution at nucleotide position 783. The histidine at codon 261 is replaced by glutamine, an amino acid with highly similar properties. This amino acid position is conserved. In addition, this alteration is predicted to be tolerated by in silico analysis. Based on the available evidence, the clinical significance of this variant remains unclear.

Labcorp Genetics (formerly Invitae), Labcorp
Classification: Uncertain significance. Last evaluated: 2023-11-28. Review status: criteria provided, single submitter. Criteria: Invitae Variant Classification Sherloc (09022015). Collection method: clinical testing. Allele origin: germline.
Comment: This sequence change replaces histidine, which is basic and polar, with glutamine, which is neutral and polar, at codon 261 of the ATRIP protein (p.His261Gln). This variant is present in population databases (rs758676126, gnomAD 0.002%). This variant has not been reported in the literature in individuals affected with ATRIP-related conditions. ClinVar contains an entry for this variant (Variation ID: 2569912). Algorithms developed to predict the effect of missense changes on protein structure and function output the following: SIFT: "Not Available"; PolyPhen-2: "Benign"; Align-GVGD: "Not Available". The glutamine amino acid residue is found in multiple mammalian species, which suggests that this missense change does not adversely affect protein function. In summary, the available evidence is currently insufficient to determine the role of this variant in disease. Therefore, it has been classified as a Variant of Uncertain Significance.